The following is an entry in ClinVar:

ClinVar aggregate classification (germline): Benign/Likely benign. Review status: criteria provided, multiple submitters, no conflicts (2 of 4 stars). 10 submissions from 10 submitters: Benign (1); Likely benign (9). Last evaluated 2026-09-21.

Conditions:
TGFBR2-related disorder. Also called: TGFBR2-related condition.
Familial thoracic aortic aneurysm and aortic dissection (TAAD). Also called: Thoracic aortic aneurysms and dissections. Identifiers: Orphanet 91387, MedGen C4707243, MONDO:0019625.
Loeys-Dietz syndrome 2 (LDS2). Also called: TGFBR2-Related Loeys-Dietz Syndrome; AORTIC ANEURYSM, FAMILIAL THORACIC 3; MARFAN SYNDROME, TYPE II; Marfan syndrome, type 2 (formerly); Marfan Syndrome type 2; Marfan like connective tissue disorder. Identifiers: Orphanet 284973, Orphanet 558, MedGen C2674574, MONDO:0012427, OMIM 610168.
Diabetic retinopathy. Identifiers: MedGen C0011884, MONDO:0005266.

Allele frequency attached by ClinVar (database versions not stated): gnomAD 0.00001 and 0.00002; gnomAD exomes 0.00002 and 0.00003; TOPMed 0.00002; ExAC 0.00004; 1000 Genomes Project 30x 0.00016; 1000 Genomes Project 0.00020.
gnomAD v4.1: 45 of 1,601,084 alleles (0.0028%); highest among the groups gnomAD compares: Middle Eastern, 0.15%; no homozygotes.

Submissions (10):

Molecular Diagnostic Laboratory for Inherited Cardiovascular Disease, Montreal Heart Institute
Classification: Likely benign. Last evaluated: 2026-09-21. Review status: criteria provided, single submitter. Criteria: ACMG Guidelines, 2015. Collection method: clinical testing. Allele origin: germline. Affected: no.

CeGaT Center for Human Genetics Tuebingen
Classification: Likely benign. Last evaluated: 2026-09-01. Review status: criteria provided, single submitter. Criteria: CeGaT Center For Human Genetics Tuebingen Variant Classification Criteria Version 2. Collection method: clinical testing. Allele origin: germline. Affected: yes. Observed: 3 variant alleles.
Comment: TGFBR2: BP4, BP7

Labcorp Genetics (formerly Invitae), Labcorp
Classification: Likely benign for Familial thoracic aortic aneurysm and aortic dissection. Last evaluated: 2026-01-09. Review status: criteria provided, single submitter. Criteria: Invitae Variant Classification Sherloc (09022015). Collection method: clinical testing. Allele origin: germline.

PreventionGenetics, part of Exact Sciences
Classification: Likely benign for TGFBR2-related condition. Last evaluated: 2025-05-21. Review status: criteria provided, single submitter. Criteria: ACMG Guidelines, 2015. Collection method: clinical testing. Allele origin: germline.
Comment: This variant is classified as likely benign based on ACMG/AMP sequence variant interpretation guidelines (Richards et al. 2015 PMID: 25741868, with internal and published modifications).

All of Us Research Program, National Institutes of Health
Classification: Likely benign for Loeys-Dietz syndrome 2. Last evaluated: 2023-12-18. Review status: criteria provided, single submitter. Criteria: ACMG Guidelines, 2015. Collection method: clinical testing. Allele origin: germline. Inheritance: Autosomal dominant inheritance. Observed: 12 variant alleles, 12 heterozygotes.
Comment: This study involves interpretation of variants in research participants for the purpose of population health screening. Participant phenotype was not available at the time of variant classification. Additional details can be found in publication PMID: 35346344, PMCID: PMC8962531

Blueprint Genetics
Classification: Likely benign. Last evaluated: 2022-05-20. Review status: criteria provided, single submitter. Criteria: ACMG Guidelines, 2015. Collection method: clinical testing. Allele origin: germline.

Ambry Genetics
Classification: Likely benign for Familial thoracic aortic aneurysm and aortic dissection. Last evaluated: 2022-03-17. Review status: criteria provided, single submitter. Criteria: Ambry Variant Classification Scheme 2023. Collection method: clinical testing. Allele origin: germline.

Color Diagnostics, LLC DBA Color Health
Classification: Likely benign for Familial thoracic aortic aneurysm and aortic dissection. Last evaluated: 2018-11-21. Review status: criteria provided, single submitter. Criteria: ACMG Guidelines, 2015. Collection method: clinical testing. Allele origin: germline.

Women's Health and Genetics/Laboratory Corporation of America, LabCorp
Classification: Benign. Last evaluated: 2017-09-26. Review status: criteria provided, single submitter. Criteria: LabCorp Variant Classification Summary - May 2015. Collection method: clinical testing. Allele origin: germline.
Comment: Variant summary: The TGFBR2 c.75A>G (p.Pro25Pro) variant involves the alteration of a non-conserved nucleotide, resulting in a synonymous change. One in silico tool predicts a damaging outcome for this variant. 5/5 splice prediction tools predict no significant impact on normal splicing. However, these predictions have yet to be confirmed by functional studies. The variant was found in the control population dataset of gnomAD in 7/247672 control chromosomes at a frequency of 0.0000283, which is approximately 9 times the estimated maximal expected allele frequency of a pathogenic TGFBR2 variant (0.0000031), suggesting this variant is likely a benign polymorphism. The variant of interest has not, to our knowledge, been reported in affected individuals via publications and/or reputable databases/clinical diagnostic laboratories; nor evaluated for functional impact by in vivo/vitro studies. Taken together, this variant is classified as benign.

Clinical Genomics, Uppaluri K&H Personalized Medicine Clinic
Classification: Likely benign for Diabetic retinopathy. Review status: criteria provided, single submitter. Criteria: K And H Uppaluri Personalized Medicine Clinic Variant Classification And Assertion Criteria Updated V 2. Collection method: research. Allele origin: unknown.
Comment: Potent mutations in TGFBR2 gene encodes the transforming growth factor that have been associated with angiogenesis and diabetic retinopathy. More clinical studies are needed for stronger association. However, more evidence is required to confer the association of this particular variant rs572435149 with diabetic retinopathy.

Literature cited by the submitters: PubMed 30222965 (cited by Clinical Genomics, Uppaluri K&H Personalized Medicine Clinic); PubMed 28162229 (cited by Clinical Genomics, Uppaluri K&H Personalized Medicine Clinic); PubMed 34572573 (cited by Clinical Genomics, Uppaluri K&H Personalized Medicine Clinic).

NM_003242.6(TGFBR2):c.75A>G (p.Pro25=)

Gene: TGFBR2 (transforming growth factor beta receptor 2; plus strand). Cytogenetic location: 3p24.1.
Variant type: single nucleotide variant.
Coding change: c.75A>G on transcript NM_003242.6 (MANE Select); coding-DNA position 75, A replaced by G.
Protein change: p.Pro25=; no amino-acid change (proline 25 retained).
Molecular consequence: synonymous variant. On other transcripts: 5 prime UTR variant (4), intron variant (2).
Genome position (GRCh38, 1-based): chr3:30,606,958, A>G. VCF-style: chr3-30606958-A-G. GRCh37 (hg19) VCF-style: chr3-30648450-A-G.
Other names: c.75A>G, p.Pro25= (NM_001024847.3, NM_001407126.1, NM_001407127.1 and 4 more transcripts); c.-209A>G (NM_001407133.1); c.-87A>G (NM_001407134.1); c.-134A>G (NM_001407135.1); c.-219A>G (NM_001407136.1); c.-12+365A>G (NM_001407129.1, NM_001407132.1).
Identifiers: ClinVar variation 543908 (VCV000543908.41), dbSNP rs572435149, ClinGen allele CA049837.